The following is an entry in ClinVar:

ClinVar aggregate classification (germline): Likely pathogenic (1 of 4 stars; one submission).

Submission:

GeneDx
Classification: Likely pathogenic. Last evaluated: 2016-06-20. Review status: criteria provided, single submitter. Criteria: GeneDx Variant Classification (06012015). Collection method: clinical testing. Allele origin: germline. Affected: yes.
Comment: The P211R variant in the FLNA gene has not been reported previously as a pathogenic variant, nor as a benign variant, to our knowledge. This variant was not observed in approximately 6400 individuals of European and African American ancestry in the NHLBI Exome Sequencing Project, indicating it is not a common benign variant in these populations. The P211R variant is a non-conservative amino acid substitution, which is likely to impact secondary protein structure as these residues differ in polarity, charge, size and/or other properties. This substitution occurs at a position that is conserved across species, and in silico analysis predicts this variant is probably damaging to the protein structure/function. Missense variants in nearby residues (P207L, C210F, D212V) have been reported in the Human Gene Mutation Database in association with otopalatodigital syndrome (Stenson et al., 2014), supporting the functional importance of this region of the protein. The P211R variant is a strong candidate for a pathogenic variant, however, the possibility it may be a rare benign variant cannot be excluded.

NM_001110556.2(FLNA):c.632C>G (p.Pro211Arg)

Gene: FLNA (filamin A; minus strand). Cytogenetic location: Xq28.
Variant type: single nucleotide variant.
Coding change: c.632C>G on transcript NM_001110556.2 (MANE Select); coding-DNA position 632, C replaced by G.
Protein change: p.Pro211Arg; replaces proline 211 with arginine.
Molecular consequence: missense variant.
Genome position (GRCh38, 1-based): chrX:154,367,729, G>C on the plus strand (C>G on the coding strand, the complement: FLNA is on the minus strand). VCF-style: chrX-154367729-G-C. GRCh37 (hg19) VCF-style: chrX-153596097-G-C.
Other names: c.632C>G, p.Pro211Arg (NM_001456.4); short protein forms P211R.
Identifiers: ClinVar variation 372971 (VCV000372971.2), dbSNP rs1057518109, ClinGen allele CA16043290.
Genomic context (GRCh38, chrX:154,367,729, plus strand): 5'-TGCTGCATGGCCTCTCGCGCATTGGTAACGGGCTTGCTGGCGTCCCAAGAGTCCCAGTCA[G>C]GACACAGGCCTGTGGCGCAAGGGAGGCTGTGAGTCTGGGGGCCGCAGAACCCCCTCAAGG-3'
Protein context (NP_001104026.1, residues 201-221): LVDSCAPGLC[Pro211Arg]DWDSWDASKP